The following is an entry in ClinVar:

NM_014413.4(EIF2AK1):c.485G>A (p.Arg162His)

Gene: EIF2AK1 (eukaryotic translation initiation factor 2 alpha kinase 1; minus strand). Cytogenetic location: 7p22.1.
Variant type: single nucleotide variant.
Coding change: c.485G>A on transcript NM_014413.4 (MANE Select); coding-DNA position 485, G replaced by A.
Protein change: p.Arg162His; replaces arginine 162 with histidine.
Molecular consequence: missense variant.
Genome position (GRCh38, 1-based): chr7:6,047,056, C>T on the plus strand (G>A on the coding strand, the complement: EIF2AK1 is on the minus strand). VCF-style: chr7-6047056-C-T. GRCh37 (hg19) VCF-style: chr7-6086687-C-T.
Other names: c.485G>A, p.Arg162His (NM_001134335.2); short protein forms R162H.
Identifiers: ClinVar variation 2187820 (VCV002187820.4), dbSNP rs200306250, ClinGen allele CA153259957.
Genomic context (GRCh38, chr7:6,047,056, plus strand): 5'-TATACTCTTCCGTATCCACCTTTTCCTAAGATGGCAAGTTCTTCAAATTCATTTAAGTAA[C>T]GTGAAGTTTGTGCTTCCAAGGCTACTTCCCTTGATCTGAAAGTTAAATACAAACAATCAA-3'
Protein context (NP_055228.2, residues 152-172): REVALEAQTS[Arg162His]YLNEFEELAI

ClinVar aggregate classification (germline): Uncertain significance (1 of 4 stars; one submission).

Allele frequency attached by ClinVar (database versions not stated): TOPMed 0.00001.
gnomAD v4.1: 23 of 1,613,810 alleles (0.0014%); highest among the groups gnomAD compares: Middle Eastern, 0.017%; no homozygotes.

Submission:

Labcorp Genetics (formerly Invitae), Labcorp
Classification: Uncertain significance. Last evaluated: 2024-03-23. Review status: criteria provided, single submitter. Criteria: Invitae Variant Classification Sherloc (09022015). Collection method: clinical testing. Allele origin: germline.
Comment: This sequence change replaces arginine, which is basic and polar, with histidine, which is basic and polar, at codon 162 of the EIF2AK1 protein (p.Arg162His). This variant is present in population databases (rs200306250, gnomAD 0.006%). This variant has not been reported in the literature in individuals affected with EIF2AK1-related conditions. ClinVar contains an entry for this variant (Variation ID: 2187820). An algorithm developed to predict the effect of missense changes on protein structure and function (PolyPhen-2) suggests that this variant is likely to be disruptive. In summary, the available evidence is currently insufficient to determine the role of this variant in disease. Therefore, it has been classified as a Variant of Uncertain Significance.